The following is an entry in ClinVar:

ClinVar aggregate classification (germline): Pathogenic (1 of 4 stars; one submission).

Conditions:
Breast-ovarian cancer, familial, susceptibility to, 2 (BROVCA2). Also called: BRCA2 Hereditary Breast and Ovarian Cancer. Identifiers: Orphanet 145, MedGen C2675520, MONDO:0012933, OMIM 612555. Disease mechanism: loss of function.

Submission:

Myriad Genetics, Inc.
Classification: Pathogenic for Breast-ovarian cancer, familial, susceptibility to, 2. Last evaluated: 2023-07-26. Review status: criteria provided, single submitter. Criteria: Myriad Autosomal Dominant, Autosomal Recessive and X-Linked Classification Criteria (2023). Collection method: clinical testing. Allele origin: unknown.
Comment: This variant is considered pathogenic. This variant creates a frameshift predicted to result in premature protein truncation.

NM_000059.4(BRCA2):c.3653dup (p.Phe1219fs)

Gene: BRCA2 (BRCA2 DNA repair associated; plus strand). Cytogenetic location: 13q13.1.
Variant type: Duplication.
Coding change: c.3653dup on transcript NM_000059.4 (MANE Select); coding-DNA position 3653, one base duplicated (G; older notation c.3653dupG).
Protein change: p.Phe1219fs; shifts the reading frame from phenylalanine 1219.
Molecular consequence: frameshift variant. On other transcripts: non-coding transcript variant (1), intron variant (2).
Genome position (GRCh38, 1-based): chr13:32,338,008, G duplicated; the last of 4 consecutive G bases (chr13:32,338,005-32,338,008); duplicating any one gives the same sequence. VCF-style (leftmost placement, unchanged base first): chr13-32338004-A-AG. GRCh37 (hg19) VCF-style: chr13-32912141-A-AG.
Other names: c.3653dup, p.Phe1219fs (NM_001406720.1, NM_001406719.1); c.1909+4621dup (NM_001406721.1); c.425-6550dup (NM_001406722.1); short protein forms F1219fs.
Identifiers: ClinVar variation 2674511 (VCV002674511.1), dbSNP rs2548526518, ClinGen allele CA2695199699.